The following is an entry in ClinVar:

NM_001267550.2(TTN):c.13194A>G (p.Gln4398=)

Gene: TTN (titin; minus strand). Cytogenetic location: 2q31.2.
Variant type: single nucleotide variant.
Coding change: c.13194A>G on transcript NM_001267550.2 (MANE Select); coding-DNA position 13194, A replaced by G.
Protein change: p.Gln4398=; no amino-acid change (glutamine 4398 retained).
Molecular consequence: synonymous variant. On other transcripts: intron variant (1).
Genome position (GRCh38, 1-based): chr2:178,740,039, T>C on the plus strand (A>G on the coding strand, the complement: TTN is on the minus strand). VCF-style: chr2-178740039-T-C. GRCh37 (hg19) VCF-style: chr2-179604766-T-C.
Other names: p.Q4081Q:CAA>CAG; c.12243A>G, p.Gln4081= (NM_001256850.1); c.12105A>G, p.Gln4035= (NM_003319.4); c.12480A>G, p.Gln4160= (NM_133432.3); c.12681A>G, p.Gln4227= (NM_133437.4); c.10361-1679A>G (NM_133378.4).
Identifiers: ClinVar variation 47834 (VCV000047834.57), dbSNP rs375347596, ClinGen allele CA284552.

ClinVar aggregate classification (germline): Benign/Likely benign. Review status: criteria provided, multiple submitters, no conflicts (2 of 4 stars). 15 submissions from 12 submitters: Benign (11); Likely benign (4). Last evaluated 2026-08-01.

Conditions:
Dilated cardiomyopathy 1G (CMD1G). Identifiers: Orphanet 154, MedGen C1858763, MONDO:0011400, OMIM 604145.
Autosomal recessive limb-girdle muscular dystrophy type 2J (LGMDR10). Also called: MUSCULAR DYSTROPHY, LIMB-GIRDLE, AUTOSOMAL RECESSIVE 10; Limb-girdle muscular dystrophy, type 2J. Identifiers: Orphanet 140922, MedGen C1837342, MONDO:0012127, OMIM 608807.
Cardiovascular phenotype. Identifiers: MedGen CN230736.
Early-onset myopathy with fatal cardiomyopathy (CMYO5). Also called: CONGENITAL MYOPATHY 5 WITH CARDIOMYOPATHY; Salih Myopathy. Identifiers: Orphanet 289377, MedGen C2673677, MONDO:0012714, OMIM 611705. Disease mechanism: loss of function.
Tibial muscular dystrophy (TMD). Also called: Udd Distal Myopathy – Tibial Muscular Dystrophy; Tibial muscular dystrophy, tardive; UDD MYOPATHY. Identifiers: Orphanet 609, MedGen C1838244, MONDO:0010870, OMIM 600334.
Myopathy, myofibrillar, 9, with early respiratory failure (MFM9). Also called: Myopathy, distal, with early respiratory failure, autosomal dominant; Hereditary myopathy with early respiratory failure; MYOPATHY, PROXIMAL, WITH EARLY RESPIRATORY MUSCLE INVOLVEMENT; EDSTROM MYOPATHY. Identifiers: Orphanet 178464, Orphanet 34521, MedGen C1863599, MONDO:0011362, OMIM 603689.

Allele frequency attached by ClinVar (database versions not stated): 1000 Genomes Project 30x 0.00172; 1000 Genomes Project 0.00140; ESP Exome Variant Server 0.00151; TOPMed 0.00099.
gnomAD v4.1: 277 of 1,613,880 alleles (0.017%); highest among the groups gnomAD compares: African/African-American, 0.33%; 1 homozygote.

Submissions (15):

CeGaT Center for Human Genetics Tuebingen
Classification: Likely benign. Last evaluated: 2026-08-01. Review status: criteria provided, single submitter. Criteria: CeGaT Center For Human Genetics Tuebingen Variant Classification Criteria Version 2. Collection method: clinical testing. Allele origin: germline. Affected: yes. Observed: 2 variant alleles.
Comment: TTN: BP4, BP7

Women's Health and Genetics/Laboratory Corporation of America, LabCorp
Classification: Benign. Last evaluated: 2026-03-03. Review status: criteria provided, single submitter. Criteria: LabCorp Variant Classification Summary - May 2015. Collection method: clinical testing. Allele origin: germline.
Comment: Variant summary: TTN c.10361-1679A>G, also known as NM_001267550:c.13194A>G (p.Gln4398Gln), is located at a position not widely known to affect splicing. Several computational tools predict a significant impact on normal splicing: Two predict the variant creates a 3' acceptor site. However, these predictions have yet to be confirmed by functional studies. The variant allele was found at a frequency of 0.00032 in 248346 control chromosomes, predominantly at a frequency of 0.0047 within the African or African-American subpopulation in the gnomAD database. The observed variant frequency within African or African-American control individuals in the gnomAD database exceeds the estimated maximal expected allele frequency for disease-causing variants in TTN. To our knowledge, no occurrence of c.10361-1679A>G in individuals affected with TTN-related conditions and no experimental evidence demonstrating its impact on protein function have been reported. The following publication has been ascertained in the context of this evaluation (PMID: 28467829). ClinVar contains an entry for this variant (Variation ID: 47834). Based on the evidence outlined above, the variant was classified as benign.

Labcorp Genetics (formerly Invitae), Labcorp
Classification: Benign for Dilated cardiomyopathy 1G; Autosomal recessive limb-girdle muscular dystrophy type 2J. Last evaluated: 2026-01-27. Review status: criteria provided, single submitter. Criteria: Invitae Variant Classification Sherloc (09022015). Collection method: clinical testing. Allele origin: germline.

Molecular Diagnostic Laboratory for Inherited Cardiovascular Disease, Montreal Heart Institute
Classification: Benign. Last evaluated: 2025-04-09. Review status: criteria provided, single submitter. Criteria: ACMG Guidelines, 2015. Collection method: clinical testing. Allele origin: germline. Affected: no.
Comment: BS1;BP6;BP7

Blueprint Genetics
Classification: Likely benign. Last evaluated: 2024-11-11. Review status: criteria provided, single submitter. Criteria: ACMG Guidelines, 2015. Collection method: clinical testing. Allele origin: germline.

Genome-Nilou Lab
Classification: Benign for Autosomal recessive limb-girdle muscular dystrophy type 2J. Last evaluated: 2021-09-10. Review status: criteria provided, single submitter. Criteria: ACMG Guidelines, 2015. Collection method: clinical testing. Allele origin: germline. Affected: no.

Genome-Nilou Lab
Classification: Benign for Myopathy, myofibrillar, 9, with early respiratory failure. Last evaluated: 2021-09-10. Review status: criteria provided, single submitter. Criteria: ACMG Guidelines, 2015. Collection method: clinical testing. Allele origin: germline. Affected: no.

Genome-Nilou Lab
Classification: Benign for Early-onset myopathy with fatal cardiomyopathy. Last evaluated: 2021-09-10. Review status: criteria provided, single submitter. Criteria: ACMG Guidelines, 2015. Collection method: clinical testing. Allele origin: germline. Affected: no.

Genome-Nilou Lab
Classification: Benign for Tibial muscular dystrophy. Last evaluated: 2021-09-10. Review status: criteria provided, single submitter. Criteria: ACMG Guidelines, 2015. Collection method: clinical testing. Allele origin: germline. Affected: no.

ARUP Laboratories, Molecular Genetics and Genomics, ARUP Laboratories
Classification: Benign. Last evaluated: 2021-07-10. Review status: criteria provided, single submitter. Criteria: ARUP Molecular Germline Variant Investigation Process 2021. Collection method: clinical testing. Allele origin: germline.

Athena Diagnostics
Classification: Benign. Last evaluated: 2016-10-28. Review status: criteria provided, single submitter. Criteria: Athena Diagnostics Criteria. Collection method: clinical testing. Allele origin: germline.

Ambry Genetics
Classification: Likely benign for Cardiovascular phenotype. Last evaluated: 2015-09-17. Review status: criteria provided, single submitter. Criteria: Ambry Variant Classification Scheme 2023. Collection method: clinical testing. Allele origin: germline.

Eurofins Ntd Llc (ga)
Classification: Likely benign. Last evaluated: 2015-08-21. Review status: criteria provided, single submitter. Criteria: EGL Classification Definitions 2015. Collection method: clinical testing. Allele origin: germline. Observed: 1 variant allele, 1 heterozygote.

GeneDx
Classification: Benign. Last evaluated: 2014-07-08. Review status: criteria provided, single submitter. Criteria: GeneDx Variant Classification (06012015). Collection method: clinical testing. Allele origin: germline. Affected: yes.
Comment: This variant is considered likely benign or benign based on one or more of the following criteria: it is a conservative change, it occurs at a poorly conserved position in the protein, it is predicted to be benign by multiple in silico algorithms, and/or has population frequency not consistent with disease.

Laboratory for Molecular Medicine, Mass General Brigham Personalized Medicine
Classification: Benign. Last evaluated: 2012-01-24. Review status: criteria provided, single submitter. Criteria: LMM Criteria. Collection method: clinical testing. Allele origin: germline. Observed: 3 variant alleles.

Literature cited by the submitters: PubMed 28467829 (cited by Women's Health and Genetics/Laboratory Corporation of America, LabCorp).